The following is an entry in ClinVar:

ClinVar aggregate classification (germline): Uncertain significance. Review status: criteria provided, multiple submitters, no conflicts (2 of 4 stars). 3 submissions from 3 submitters: Uncertain significance (2). 1 of the submissions does not count toward it. Last evaluated 2024-05-23.

Conditions:
ALPI-related disorder. Also called: ALPI-related condition.

Allele frequency attached by ClinVar (database versions not stated): 1000 Genomes Project 0.00020; ESP Exome Variant Server 0.00031; 1000 Genomes Project 30x 0.00062.
gnomAD v4.1: 504 of 1,610,640 alleles (0.031%); highest among the groups gnomAD compares: Non-Finnish European, 0.033%; no homozygotes.

Submissions (3):

Blueprint Genetics
Classification: Uncertain significance. Last evaluated: 2024-05-23. Review status: criteria provided, single submitter. Criteria: ACMG Guidelines, 2015. Collection method: clinical testing. Allele origin: germline.

Ambry Genetics
Classification: Uncertain significance. Last evaluated: 2022-04-08. Review status: criteria provided, single submitter. Criteria: Ambry Variant Classification Scheme 2023. Collection method: clinical testing. Allele origin: germline.

PreventionGenetics, part of Exact Sciences
Classification: Likely benign for ALPI-related condition. Last evaluated: 2022-03-30. Review status: no assertion criteria provided. Collection method: clinical testing. Allele origin: germline. Not counted in ClinVar's aggregate classification.
Comment: This variant is classified as likely benign based on ACMG/AMP sequence variant interpretation guidelines (Richards et al. 2015 PMID: 25741868, with internal and published modifications).

NM_001631.5(ALPI):c.1347G>C (p.Glu449Asp)

Gene: ALPI (alkaline phosphatase, intestinal; plus strand). Cytogenetic location: 2q37.1.
Variant type: single nucleotide variant.
Coding change: c.1347G>C on transcript NM_001631.5 (MANE Select); coding-DNA position 1347, G replaced by C.
Protein change: p.Glu449Asp; replaces glutamic acid 449 with aspartic acid.
Molecular consequence: missense variant.
Genome position (GRCh38, 1-based): chr2:232,458,906, G>C. VCF-style: chr2-232458906-G-C. GRCh37 (hg19) VCF-style: chr2-233323616-G-C.
Other names: c.1347G>C (NM_001631.4); short protein forms E449D.
Identifiers: ClinVar variation 2350683 (VCV002350683.5), dbSNP rs148157889, ClinGen allele CA2166777.